The following is an entry in ClinVar:

NM_003482.4(KMT2D):c.12302A>C (p.Gln4101Pro)

Gene: KMT2D (lysine methyltransferase 2D; minus strand). Cytogenetic location: 12q13.12.
Variant type: single nucleotide variant.
Coding change: c.12302A>C on transcript NM_003482.4 (MANE Select); coding-DNA position 12302, A replaced by C.
Protein change: p.Gln4101Pro; replaces glutamine 4101 with proline.
Molecular consequence: missense variant.
Genome position (GRCh38, 1-based): chr12:49,032,403, T>G on the plus strand (A>C on the coding strand, the complement: KMT2D is on the minus strand). VCF-style: chr12-49032403-T-G. GRCh37 (hg19) VCF-style: chr12-49426186-T-G.
Other names: short protein forms Q4101P.
Identifiers: ClinVar variation 2910309 (VCV002910309.5), dbSNP rs757741709, ClinGen allele CA6546222.
Genomic context (GRCh38, chr12:49,032,403, plus strand): 5'-CTGCCTAGCTGCCCATGGCTTCCTCCACCTGCTGTGTGGAGCAGGCTAACTTGCTGCTGC[T>G]GTTGTCCTGGAAGCCTCAGAGGTGGCTGCAGCTGCAGAGAGCTGGGCTGAGGCTGGGGCT-3'
Protein context (NP_003473.3, residues 4091-4111): LQPPLRLPGQ[Gln4101Pro]QQQVSLLHTA

ClinVar aggregate classification (germline): Conflicting classifications of pathogenicity. Review status: criteria provided, conflicting classifications (1 of 4 stars). 3 submissions from 3 submitters: Uncertain significance (1); Benign (1); Likely benign (1). Last evaluated 2026-05-03.

Conditions:
Kabuki syndrome. Also called: Kabuki make-up syndrome; NIIKAWA-KUROKI SYNDROME. Identifiers: Orphanet 2322, MedGen C0796004, MONDO:0016512.
KMT2D-related disorder. Also called: KMT2D-Related Disorders.

Allele frequency attached by ClinVar (database versions not stated): gnomAD 0.00002; gnomAD exomes 0.00002; TOPMed 0.00002; ExAC 0.00006.
gnomAD v4.1: 34 of 1,599,254 alleles (0.0021%); highest among the groups gnomAD compares: Admixed American, 0.0053%; no homozygotes.

Submissions (3):

PreventionGenetics, part of Exact Sciences
Classification: Uncertain significance for KMT2D-related condition. Last evaluated: 2026-05-03. Review status: criteria provided, single submitter. Criteria: ACMG Guidelines, 2015. Collection method: clinical testing. Allele origin: germline.
Comment: The KMT2D c.12302A>C variant is predicted to result in the amino acid substitution p.Gln4101Pro. This variant was reported in an individual with Kabuki syndrome (Cocciadiferro et al. 2018. PubMed ID: 30107592). This variant is reported in 0.0064% of alleles in individuals of Latino descent in gnomAD. At this time, the clinical significance of this variant is uncertain due to the absence of conclusive functional and genetic evidence.

Labcorp Genetics (formerly Invitae), Labcorp
Classification: Benign for Kabuki syndrome. Last evaluated: 2025-08-17. Review status: criteria provided, single submitter. Criteria: Invitae Variant Classification Sherloc (09022015). Collection method: clinical testing. Allele origin: germline.

Blueprint Genetics
Classification: Likely benign. Last evaluated: 2024-04-02. Review status: criteria provided, single submitter. Criteria: ACMG Guidelines, 2015. Collection method: clinical testing. Allele origin: germline.